The following is an entry in ClinVar:

ClinVar aggregate classification (germline): Uncertain significance (1 of 4 stars; one submission).

Allele frequency attached by ClinVar (database versions not stated): ExAC 0.00002.
gnomAD v4.1: 26 of 1,613,928 alleles (0.0016%); highest among the groups gnomAD compares: Admixed American, 0.005%; no homozygotes.

Submission:

Labcorp Genetics (formerly Invitae), Labcorp
Classification: Uncertain significance. Last evaluated: 2022-02-10. Review status: criteria provided, single submitter. Criteria: Invitae Variant Classification Sherloc (09022015). Collection method: clinical testing. Allele origin: germline.
Comment: This sequence change replaces aspartic acid, which is acidic and polar, with asparagine, which is neutral and polar, at codon 351 of the CAD protein (p.Asp351Asn). This variant is present in population databases (rs371150372, gnomAD 0.009%). This variant has not been reported in the literature in individuals affected with CAD-related conditions. Algorithms developed to predict the effect of missense changes on protein structure and function are either unavailable or do not agree on the potential impact of this missense change (SIFT: "Deleterious"; PolyPhen-2: "Probably Damaging"; Align-GVGD: "Class C0"). In summary, the available evidence is currently insufficient to determine the role of this variant in disease. Therefore, it has been classified as a Variant of Uncertain Significance.

NM_004341.5(CAD):c.1051G>A (p.Asp351Asn)

Gene: CAD (carbamoyl-phosphate synthetase 2, aspartate transcarbamylase, and dihydroorotase; plus strand). Cytogenetic location: 2p23.3.
Variant type: single nucleotide variant.
Coding change: c.1051G>A on transcript NM_004341.5 (MANE Select); coding-DNA position 1051, G replaced by A.
Protein change: p.Asp351Asn; replaces aspartic acid 351 with asparagine.
Molecular consequence: missense variant.
Genome position (GRCh38, 1-based): chr2:27,223,972, G>A. VCF-style: chr2-27223972-G-A. GRCh37 (hg19) VCF-style: chr2-27446840-G-A.
Other names: c.1051G>A, p.Asp351Asn (NM_001306079.2); short protein forms D351N.
Identifiers: ClinVar variation 1507263 (VCV001507263.3), dbSNP rs371150372, ClinGen allele CA1572596.